The following is an entry in ClinVar:

ClinVar aggregate classification (germline): Conflicting classifications of pathogenicity. Review status: criteria provided, conflicting classifications (1 of 4 stars). 2 submissions from 2 submitters: Uncertain significance (1); Likely benign (1). Last evaluated 2025-11-12.

Conditions:
Hereditary factor XI deficiency disease. Also called: PLASMA THROMBOPLASTIN ANTECEDENT DEFICIENCY; PTA DEFICIENCY; ROSENTHAL SYNDROME; Congenital factor XI deficiency. Identifiers: Orphanet 329, MedGen C0015523, MeSH D005173, MONDO:0012897, OMIM 612416.

Allele frequency attached by ClinVar (database versions not stated): gnomAD 0.00001; gnomAD exomes 0.00001; TOPMed 0.00002; ExAC 0.00003; ESP Exome Variant Server 0.00008.
gnomAD v4.1: 22 of 1,612,834 alleles (0.0014%); highest among the groups gnomAD compares: Non-Finnish European, 0.0017%; no homozygotes.

Submissions (2):

Labcorp Genetics (formerly Invitae), Labcorp
Classification: Likely benign. Last evaluated: 2025-11-12. Review status: criteria provided, single submitter. Criteria: Invitae Variant Classification Sherloc (09022015). Collection method: clinical testing. Allele origin: germline.

ISTH-SSC Genomics in Thrombosis and Hemostasis, KU Leuven, Center for Molecular and Vascular Biology
Classification: Uncertain significance for Hereditary factor XI deficiency disease. Review status: criteria provided, single submitter. Criteria: ACMG Guidelines, 2015. Collection method: clinical testing. Allele origin: unknown. Affected: yes.
Comment: Submitted to GoldVariant by Kathleen Freson, Center for Molecular and Vascular Biology, Leuven, Belgium

Literature cited by the submitters: PubMed 34355501 (cited by ISTH-SSC Genomics in Thrombosis and Hemostasis, KU Leuven, Center for Molecular and Vascular Biology).

NM_000128.4(F11):c.1481-9T>A

Genes: F11-AS1 (F11 antisense RNA 1; minus strand), F11 (coagulation factor XI; plus strand). Cytogenetic location: 4q35.2.
Variant type: single nucleotide variant.
Coding change: c.1481-9T>A on transcript NM_000128.4 (MANE Select); 9 bases into the intron before coding-DNA position 1481, T replaced by A.
Molecular consequence: intron variant.
Genome position (GRCh38, 1-based): chr4:186,286,406, T>A. VCF-style: chr4-186286406-T-A. GRCh37 (hg19) VCF-style: chr4-187207560-T-A.
Identifiers: ClinVar variation 1555323 (VCV001555323.9), dbSNP rs372283197, ClinGen allele CA3164008.